The following is an entry in ClinVar:

NM_004431.5(EPHA2):c.1533G>A (p.Thr511=)

Gene: EPHA2 (EPH receptor A2; minus strand). Cytogenetic location: 1p36.13.
Variant type: single nucleotide variant.
Coding change: c.1533G>A on transcript NM_004431.5 (MANE Select); coding-DNA position 1533, G replaced by A.
Protein change: p.Thr511=; no amino-acid change (threonine 511 retained).
Molecular consequence: synonymous variant.
Genome position (GRCh38, 1-based): chr1:16,135,085, C>T on the plus strand (G>A on the coding strand, the complement: EPHA2 is on the minus strand). VCF-style: chr1-16135085-C-T. GRCh37 (hg19) VCF-style: chr1-16461580-C-T.
Other names: c.1371G>A, p.Thr457= (NM_001329090.2); c.1533G>A (NM_004431.4).
Identifiers: ClinVar variation 293429 (VCV000293429.7), dbSNP rs550085875, ClinGen allele CA625150.

ClinVar aggregate classification (germline): Likely benign. Review status: criteria provided, single submitter (1 of 4 stars). 2 submissions from 2 submitters: Likely benign (1). 1 of the submissions does not count toward it. Last evaluated 2018-01-12.

Conditions:
EPHA2-related disorder. Also called: EPHA2-related condition.
Cataract 6 multiple types. Also called: CATARACT, AGE-RELATED CORTICAL, 2; CATARACT 6, POSTERIOR POLAR; CATARACT 6, CONGENITAL TOTAL. Identifiers: Orphanet 91492, MedGen C1861825, MONDO:0007288, OMIM 116600.

Allele frequency attached by ClinVar (database versions not stated): 1000 Genomes Project 30x 0.00016; 1000 Genomes Project 0.00020; gnomAD 0.00004 and 0.00003; TOPMed 0.00006; ExAC 0.00007; gnomAD exomes 0.00009 and 0.00011.
gnomAD v4.1: 162 of 1,613,804 alleles (0.01%); highest among the groups gnomAD compares: Admixed American, 0.018%; no homozygotes.

Submissions (2):

Illumina Laboratory Services, Illumina
Classification: Likely benign for Cataract 6 multiple types. Last evaluated: 2018-01-12. Review status: criteria provided, single submitter. Criteria: ICSL Variant Classification Criteria 13 December 2019. Collection method: clinical testing. Allele origin: germline.
Comment: This variant was observed in the ICSL laboratory as part of a predisposition screen in an ostensibly healthy population. It had not been previously curated by ICSL or reported in the Human Gene Mutation Database (HGMD: prior to June 1st, 2018), and was therefore a candidate for classification through an automated scoring system. Utilizing variant allele frequency, disease prevalence and penetrance estimates, and inheritance mode, an automated score was calculated to assess if this variant is too frequent to cause the disease. Based on the score and internal cut-off values, a variant classified as likely benign is not then subjected to further curation. The score for this variant resulted in a classification of likely benign for this disease.

PreventionGenetics, part of Exact Sciences
Classification: Likely benign for EPHA2-related condition. Last evaluated: 2019-05-30. Review status: no assertion criteria provided. Collection method: clinical testing. Allele origin: germline. Not counted in ClinVar's aggregate classification.
Comment: This variant is classified as likely benign based on ACMG/AMP sequence variant interpretation guidelines (Richards et al. 2015 PMID: 25741868, with internal and published modifications).